The following is an entry in ClinVar:

ClinVar aggregate classification (germline): Likely benign (1 of 4 stars; one submission).

Conditions:
MELAS syndrome (MELAS). Also called: Juvenile myopathy, encephalopathy, lactic acidosis, stroke. Identifiers: Orphanet 550, MedGen C0162671, MONDO:0010789, OMIM 540000.

Submission:

Wong Mito Lab, Molecular and Human Genetics, Baylor College of Medicine
Classification: Likely benign for MELAS syndrome. Last evaluated: 2019-07-12. Review status: criteria provided, single submitter. Criteria: Modified ACMG Guidelines (Unpublished). Collection method: clinical testing. Allele origin: germline.
Comment: The NC_012920.1:m.10013C>T variant in MT-TG gene is interpreted to be a Likely Benign variant based on the modified ACMG guidelines (unpublished). This variant meets the following evidence codes reported in the guidelines: BS1, BP4

Literature cited by the submitters: PubMed 31965079; PubMed 1709275.

NC_012920.1(MT-TG):m.10013C>T

Gene: MT-TG (mitochondrially encoded tRNA glycine; plus strand).
Variant type: single nucleotide variant.
Genome position: chrM-10013-C-T.
Identifiers: ClinVar variation 690097 (VCV000690097.1), dbSNP rs1603222627, ClinGen allele CA913161535.